The following is an entry in ClinVar:

NM_000746.6(CHRNA7):c.1170C>A (p.Arg390=)

Gene: CHRNA7 (cholinergic receptor nicotinic alpha 7 subunit). Cytogenetic location: 15q13.3.
Variant type: single nucleotide variant.
Coding change: c.1170C>A on transcript NM_000746.6 (MANE Select); coding-DNA position 1170, C replaced by A.
Protein change: p.Arg390=; no amino-acid change (arginine 390 retained).
Molecular consequence: synonymous variant. On other transcripts: non-coding transcript variant (1).
Genome position (GRCh38, 1-based): chr15:32,168,119, C>A. VCF-style: chr15-32168119-C-A. GRCh37 (hg19) VCF-style: chr15-32460320-C-A.
Other names: c.1257C>A, p.Arg419= (NM_001190455.3).
Identifiers: ClinVar variation 3388067 (VCV003388067.14).

ClinVar aggregate classification (germline): Likely benign (1 of 4 stars; one submission).

Submission:

CeGaT Center for Human Genetics Tuebingen
Classification: Likely benign. Last evaluated: 2026-07-01. Review status: criteria provided, single submitter. Criteria: CeGaT Center For Human Genetics Tuebingen Variant Classification Criteria Version 2. Collection method: clinical testing. Allele origin: germline. Affected: yes. Observed: 2 variant alleles.
Comment: CHRNA7: BP4, BP7